The following is an entry in ClinVar:

ClinVar aggregate classification (germline): Uncertain significance (1 of 4 stars; one submission).

gnomAD v4.1: 2 of 1,590,370 alleles (0.00013%); highest among the groups gnomAD compares: Non-Finnish European, 0.00017%; no homozygotes.

Submission:

Labcorp Genetics (formerly Invitae), Labcorp
Classification: Uncertain significance. Last evaluated: 2022-04-06. Review status: criteria provided, single submitter. Criteria: Invitae Variant Classification Sherloc (09022015). Collection method: clinical testing. Allele origin: germline.
Comment: This variant has not been reported in the literature in individuals affected with KIAA1549-related conditions. In summary, the available evidence is currently insufficient to determine the role of this variant in disease. Therefore, it has been classified as a Variant of Uncertain Significance. Algorithms developed to predict the effect of missense changes on protein structure and function are either unavailable or do not agree on the potential impact of this missense change (SIFT: "Deleterious"; PolyPhen-2: "Probably Damaging"; Align-GVGD: "Class C0"). The frequency data for this variant in the population databases is considered unreliable, as metrics indicate poor data quality at this position in the gnomAD database. This sequence change replaces glycine, which is neutral and non-polar, with tryptophan, which is neutral and slightly polar, at codon 1896 of the KIAA1549 protein (p.Gly1896Trp).

NM_001164665.2(KIAA1549):c.5686G>T (p.Gly1896Trp)

Gene: KIAA1549 (KIAA1549; minus strand). Cytogenetic location: 7q34.
Variant type: single nucleotide variant.
Coding change: c.5686G>T on transcript NM_001164665.2 (MANE Select); coding-DNA position 5686, G replaced by T.
Protein change: p.Gly1896Trp; replaces glycine 1896 with tryptophan.
Molecular consequence: missense variant.
Genome position (GRCh38, 1-based): chr7:138,838,073, C>A on the plus strand (G>T on the coding strand, the complement: KIAA1549 is on the minus strand). VCF-style: chr7-138838073-C-A. GRCh37 (hg19) VCF-style: chr7-138522818-C-A.
Other names: c.5638G>T, p.Gly1880Trp (NM_020910.3); short protein forms G1880W, G1896W.
Identifiers: ClinVar variation 2121943 (VCV002121943.4), dbSNP rs778336268, ClinGen allele CA369383936.
Genomic context (GRCh38, chr7:138,838,073, plus strand): 5'-CCGTGGAGCTGGTGGGGTAACCCAGCCCAGGGCCCTGCAGTCCCCGGTGGGGGAGGTTCC[C>A]GGAAGGAGCTGAGGGCTCCCTGCCTGAAGTCCTTGGCACCTGAAATAGCGGTGAAGAAGA-3'
Protein context (NP_001158137.1, residues 1886-1906): TSGREPSAPS[Gly1896Trp]NLPHRGLQGP